The following is an entry in ClinVar:

ClinVar aggregate classification (germline): Uncertain significance. Review status: criteria provided, multiple submitters, no conflicts (2 of 4 stars). 5 submissions from 5 submitters: Uncertain significance (4). 1 of the submissions does not count toward it. Last evaluated 2024-09-08.

Conditions:
Alport syndrome. Also called: Hemorrhagic familial nephritis; Hemorrhagic hereditary nephritis; Congenital hereditary hematuria. Identifiers: Orphanet 63, MedGen C1567741, MONDO:0018965.
Autosomal dominant Alport syndrome (ATS3A). Also called: ALPORT SYNDROME 3A, AUTOSOMAL DOMINANT; Alport syndrome dominant type; Renal failure and sensorineural hearing loss. Identifiers: Orphanet 63, Orphanet 88918, MedGen C5882663, MONDO:0007086, OMIM 104200.
Autosomal recessive Alport syndrome (ATS2). Also called: COL4A4 Alport Syndrome and Thin Basement Membrane Nephropathy; ALPORT SYNDROME 2, AUTOSOMAL RECESSIVE; Alport syndrome type 2; COL4A3-Related Nephropathy. Identifiers: Orphanet 63, Orphanet 88919, MedGen C4746745, MONDO:0008762, OMIM 203780.
Benign familial hematuria. Also called: thin basement membrane disease. Identifiers: MedGen C0241908, MONDO:0957317.

Allele frequency attached by ClinVar (database versions not stated): gnomAD exomes below 0.00001 and 0.00001; TOPMed below 0.00001; gnomAD 0.00001.

Submissions (5):

Molecular Genetics, Royal Melbourne Hospital
Classification: Uncertain significance for Alport syndrome. Last evaluated: 2024-09-08. Review status: criteria provided, single submitter. Criteria: ACMG Guidelines, 2015. Collection method: clinical testing. Allele origin: germline. Inheritance: Semidominant inheritance. Affected: yes.

Labcorp Genetics (formerly Invitae), Labcorp
Classification: Uncertain significance. Last evaluated: 2024-08-04. Review status: criteria provided, single submitter. Criteria: Invitae Variant Classification Sherloc (09022015). Collection method: clinical testing. Allele origin: germline.
Comment: This sequence change replaces methionine, which is neutral and non-polar, with arginine, which is basic and polar, at codon 1085 of the COL4A3 protein (p.Met1085Arg). This variant is present in population databases (no rsID available, gnomAD 0.0009%). This variant has not been reported in the literature in individuals affected with COL4A3-related conditions. ClinVar contains an entry for this variant (Variation ID: 990634). Advanced modeling of protein sequence and biophysical properties (such as structural, functional, and spatial information, amino acid conservation, physicochemical variation, residue mobility, and thermodynamic stability) performed at Invitae indicates that this missense variant is not expected to disrupt COL4A3 protein function with a negative predictive value of 95%. In summary, the available evidence is currently insufficient to determine the role of this variant in disease. Therefore, it has been classified as a Variant of Uncertain Significance.

Fulgent Genetics
Classification: Uncertain significance for Autosomal dominant Alport syndrome; Hematuria, benign familial, 1; Autosomal recessive Alport syndrome. Last evaluated: 2021-12-22. Review status: criteria provided, single submitter. Criteria: ACMG Guidelines, 2015. Collection method: clinical testing. Allele origin: unknown.

GeneDx
Classification: Uncertain significance. Last evaluated: 2020-12-14. Review status: criteria provided, single submitter. Criteria: GeneDx Variant Classification Process June 2021. Collection method: clinical testing. Allele origin: germline. Affected: yes.
Comment: Not observed at a significant frequency in large population cohorts (Lek et al., 2016); In silico analysis supports that this missense variant does not alter protein structure/function; Occurs in the triple helical domain at the Y position in the canonical Gly-X-Y repeat; although this variant may have an effect on normal protein folding and function, missense substitution at the Y position is not a common mechanism of disease; Has not been previously published as pathogenic or benign to our knowledge

Natera, Inc.
Classification: Uncertain significance for Alport syndrome. Last evaluated: 2020-08-14. Review status: no assertion criteria provided. Collection method: clinical testing. Allele origin: germline. Not counted in ClinVar's aggregate classification.

NM_000091.5(COL4A3):c.3254T>G (p.Met1085Arg)

Genes: COL4A3 (collagen type IV alpha 3 chain; plus strand), MFF-DT (MFF divergent transcript; minus strand). Cytogenetic location: 2q36.3.
Variant type: single nucleotide variant.
Coding change: c.3254T>G on transcript NM_000091.5 (MANE Select); coding-DNA position 3254, T replaced by G.
Protein change: p.Met1085Arg; replaces methionine 1085 with arginine.
Molecular consequence: missense variant.
Genome position (GRCh38, 1-based): chr2:227,293,234, T>G. VCF-style: chr2-227293234-T-G. GRCh37 (hg19) VCF-style: chr2-228157950-T-G.
Other names: short protein forms M1085R.
Identifiers: ClinVar variation 990634 (VCV000990634.12), dbSNP rs769395979, ClinGen allele CA350857427.
Genomic context (GRCh38, chr2:227,293,234, plus strand): 5'-ATTTGACTACATTTAAGGGGGATCCAGGACTGCCGGGTGATATGGGAAAGAAAGGAGAAA[T>G]GGGGCAACCTGGCCCACCTGGACATTTGGGGCCTGCTGGACCTGAGGGAGCCCCTGGAAG-3'
Protein context (NP_000082.2, residues 1075-1095): LPGDMGKKGE[Met1085Arg]GQPGPPGHLG